The following is an entry in ClinVar:

ClinVar aggregate classification (germline): Uncertain significance (1 of 4 stars; one submission).

Conditions:
Combined immunodeficiency due to LRBA deficiency. Also called: Common variable immunodeficiency 8, with autoimmunity. Identifiers: Orphanet 445018, MedGen C3553512, MONDO:0013863, OMIM 614700.

Submission:

Labcorp Genetics (formerly Invitae), Labcorp
Classification: Uncertain significance for Combined immunodeficiency due to LRBA deficiency. Last evaluated: 2022-05-06. Review status: criteria provided, single submitter. Criteria: Invitae Variant Classification Sherloc (09022015). Collection method: clinical testing. Allele origin: germline.
Comment: This sequence change replaces proline, which is neutral and non-polar, with arginine, which is basic and polar, at codon 1307 of the LRBA protein (p.Pro1307Arg). In summary, the available evidence is currently insufficient to determine the role of this variant in disease. Therefore, it has been classified as a Variant of Uncertain Significance. Algorithms developed to predict the effect of sequence changes on RNA splicing suggest that this variant may create or strengthen a splice site. Algorithms developed to predict the effect of missense changes on protein structure and function are either unavailable or do not agree on the potential impact of this missense change (SIFT: "Deleterious"; PolyPhen-2: "Probably Damaging"; Align-GVGD: "Class C0"). This variant has not been reported in the literature in individuals affected with LRBA-related conditions. This variant is not present in population databases (gnomAD no frequency).

NM_001364905.1(LRBA):c.3920C>G (p.Pro1307Arg)

Gene: LRBA (LPS responsive beige-like anchor protein; minus strand). Cytogenetic location: 4q31.3.
Variant type: single nucleotide variant.
Coding change: c.3920C>G on transcript NM_001364905.1 (MANE Select); coding-DNA position 3920, C replaced by G.
Protein change: p.Pro1307Arg; replaces proline 1307 with arginine.
Molecular consequence: missense variant.
Genome position (GRCh38, 1-based): chr4:150,850,808, G>C on the plus strand (C>G on the coding strand, the complement: LRBA is on the minus strand). VCF-style: chr4-150850808-G-C. GRCh37 (hg19) VCF-style: chr4-151771960-G-C.
Other names: c.3920C>G, p.Pro1307Arg (NM_001199282.3, NM_001367550.1, NM_006726.5); short protein forms P1307R.
Identifiers: ClinVar variation 2134542 (VCV002134542.4), dbSNP rs749945037, ClinGen allele CA358455534.